The following is an entry in ClinVar:

NC_000004.11:g.(?_8594491)_(8621480_?)dup

Gene: CPZ (carboxypeptidase Z; plus strand). Cytogenetic location: 4p16.1.
Variant type: Duplication.
Identifiers: ClinVar variation 3907025 (VCV003907025.1).

ClinVar aggregate classification (germline): Uncertain significance (1 of 4 stars; one submission).

Submission:

Women's Health and Genetics/Laboratory Corporation of America, LabCorp
Classification: Uncertain significance. Last evaluated: 2025-06-18. Review status: criteria provided, single submitter. Criteria: LabCorp Variant Classification Summary - May 2015. Collection method: clinical testing. Allele origin: germline.
Comment: Variant summary: The variant involves the duplication of exons 1-10 in the CPZ gene. A presumed nomenclature of c.(?_-70)_(*136_?)dup has been designated for the purposes of this classification. This duplication includes the entire coding sequence of the gene. As exact breakpoints are unknown, it may extend beyond the annotated region of the gene, to include other flanking genes. The frequency of this variant in the general population could not be determined as the technology used for large population databases (ExAC, gnomAD, ESP, 1000G) cannot detect variants of this type. The available data on variant occurrences in the general population are insufficient to allow any conclusion about variant significance. To our knowledge, no occurrence of c.(?_-70)_(*136_?)dup in individuals affected with CPZ-Related Disorders and no experimental evidence demonstrating its impact on protein function have been reported. No submitters have cited clinical-significance assessments for this variant to ClinVar. Based on the evidence outlined above, the variant was classified as uncertain significance.